The following is an entry in ClinVar:

ClinVar aggregate classification (germline): Likely pathogenic (1 of 4 stars; one submission).

gnomAD v4.1: 1 of 1,579,260 alleles (0.000063%); highest among the groups gnomAD compares: Non-Finnish European, 0.000087%; no homozygotes.

Submission:

Labcorp Genetics (formerly Invitae), Labcorp
Classification: Likely pathogenic. Last evaluated: 2024-03-13. Review status: criteria provided, single submitter. Criteria: Invitae Variant Classification Sherloc (09022015). Collection method: clinical testing. Allele origin: germline.
Comment: This sequence change affects a donor splice site in intron 64 of the ADGRV1 gene. It is expected to disrupt RNA splicing. Variants that disrupt the donor or acceptor splice site typically lead to a loss of protein function (PMID: 16199547), and loss-of-function variants in ADGRV1 are known to be pathogenic (PMID: 19357117, 22135276, 22147658, 26226137, 30718709, 31047384, 32467589). This variant is present in population databases (rs765196604, gnomAD 0.002%). This variant has not been reported in the literature in individuals affected with ADGRV1-related conditions. Algorithms developed to predict the effect of sequence changes on RNA splicing suggest that this variant may disrupt the consensus splice site. In summary, the currently available evidence indicates that the variant is pathogenic, but additional data are needed to prove that conclusively. Therefore, this variant has been classified as Likely Pathogenic.

Literature cited by the submitters: PubMed 16199547; PubMed 19357117; PubMed 22135276; PubMed 22147658; PubMed 26226137; PubMed 30718709; PubMed 31047384; PubMed 32467589.

NM_032119.4(ADGRV1):c.13082+1G>A

Gene: ADGRV1 (adhesion G protein-coupled receptor V1; plus strand). Cytogenetic location: 5q14.3.
Variant type: single nucleotide variant.
Coding change: c.13082+1G>A on transcript NM_032119.4 (MANE Select); the canonical splice donor site of the intron after coding-DNA position 13082, G replaced by A.
Molecular consequence: splice donor variant.
Genome position (GRCh38, 1-based): chr5:90,779,098, G>A. VCF-style: chr5-90779098-G-A. GRCh37 (hg19) VCF-style: chr5-90074915-G-A.
Identifiers: ClinVar variation 3612895 (VCV003612895.2).